The following is an entry in ClinVar:

ClinVar aggregate classification (germline): Uncertain significance. Review status: criteria provided, multiple submitters, no conflicts (2 of 4 stars). 6 submissions from 6 submitters: Uncertain significance (5). 1 of the submissions does not count toward it. Last evaluated 2025-11-05.

Conditions:
Hereditary cancer-predisposing syndrome. Also called: Neoplastic Syndromes, Hereditary; Hereditary Cancer Syndrome; Tumor predisposition; Hereditary neoplastic syndrome. Identifiers: Orphanet 140162, MedGen C0027672, MeSH D009386, MONDO:0015356.
Fanconi anemia (FA). Also called: Fanconi's anemia. Identifiers: Orphanet 84, MedGen C0015625, MeSH D005199, MONDO:0019391.
Fanconi anemia complementation group C (FANCC). Also called: FANCONI PANCYTOPENIA, TYPE 3; FACC; FANCC-Related Fanconi Anemia; Fanconi anemia, group C. Identifiers: Orphanet 84, MedGen C3468041, MONDO:0009213, OMIM 227645.

Allele frequency attached by ClinVar (database versions not stated): ExAC 0.00001; gnomAD 0.00002; TOPMed 0.00002; gnomAD exomes 0.00001.
gnomAD v4.1: 15 of 1,614,032 alleles (0.00093%); highest among the groups gnomAD compares: African/African-American, 0.0027%; no homozygotes.

Submissions (6):

Ambry Genetics
Classification: Uncertain significance for Hereditary cancer-predisposing syndrome. Last evaluated: 2025-11-05. Review status: criteria provided, single submitter. Criteria: Ambry Variant Classification Scheme 2023. Collection method: clinical testing. Allele origin: germline.

GeneDx
Classification: Uncertain significance. Last evaluated: 2023-08-03. Review status: criteria provided, single submitter. Criteria: GeneDx Variant Classification Process June 2021. Collection method: clinical testing. Allele origin: germline. Affected: yes.
Comment: Not observed at significant frequency in large population cohorts (gnomAD); In silico analysis supports that this missense variant does not alter protein structure/function; Has not been previously published as pathogenic or benign to our knowledge; This variant is associated with the following publications: (PMID: Gordon2000[Book])

Labcorp Genetics (formerly Invitae), Labcorp
Classification: Uncertain significance for Fanconi anemia. Last evaluated: 2023-08-03. Review status: criteria provided, single submitter. Criteria: Invitae Variant Classification Sherloc (09022015). Collection method: clinical testing. Allele origin: germline.
Comment: ClinVar contains an entry for this variant (Variation ID: 127534). In summary, the available evidence is currently insufficient to determine the role of this variant in disease. Therefore, it has been classified as a Variant of Uncertain Significance. Advanced modeling of protein sequence and biophysical properties (such as structural, functional, and spatial information, amino acid conservation, physicochemical variation, residue mobility, and thermodynamic stability) performed at Invitae indicates that this missense variant is not expected to disrupt FANCC protein function. This variant has not been reported in the literature in individuals affected with FANCC-related conditions. This variant is present in population databases (rs587779901, gnomAD 0.007%). This sequence change replaces phenylalanine, which is neutral and non-polar, with leucine, which is neutral and non-polar, at codon 525 of the FANCC protein (p.Phe525Leu).

Fulgent Genetics
Classification: Uncertain significance for Fanconi anemia complementation group C. Last evaluated: 2021-09-15. Review status: criteria provided, single submitter. Criteria: ACMG Guidelines, 2015. Collection method: clinical testing. Allele origin: unknown.

Department of Pathology and Laboratory Medicine, Sinai Health System
Classification: Uncertain significance for Fanconi anemia complementation group C. Last evaluated: 2020-09-02. Review status: criteria provided, single submitter. Criteria: ACMG Guidelines, 2015. Collection method: clinical testing. Allele origin: germline. Affected: yes.

Natera, Inc.
Classification: Uncertain significance for Fanconi anemia, group C. Last evaluated: 2020-09-16. Review status: no assertion criteria provided. Collection method: clinical testing. Allele origin: germline. Not counted in ClinVar's aggregate classification.

NM_000136.3(FANCC):c.1575T>G (p.Phe525Leu)

Genes: AOPEP (aminopeptidase O (putative); plus strand), FANCC (FA complementation group C; minus strand). Cytogenetic location: 9q22.32.
Variant type: single nucleotide variant.
Coding change: c.1575T>G on transcript NM_000136.3 (MANE Select); coding-DNA position 1575, T replaced by G.
Protein change: p.Phe525Leu; replaces phenylalanine 525 with leucine.
Molecular consequence: missense variant.
Genome position (GRCh38, 1-based): chr9:95,101,809, A>C on the plus strand (T>G on the coding strand, the complement: FANCC is on the minus strand). VCF-style: chr9-95101809-A-C. GRCh37 (hg19) VCF-style: chr9-97864091-A-C.
Other names: p.F525L:TTT>TTG; c.1575T>G, p.Phe525Leu (NM_001243743.2); short protein forms F525L.
Identifiers: ClinVar variation 127534 (VCV000127534.19), dbSNP rs587779901, ClinGen allele CA287193.